The following is an entry in ClinVar:

NM_018979.4(WNK1):c.3664-15T>A

Gene: WNK1 (WNK lysine deficient protein kinase 1; plus strand). Cytogenetic location: 12p13.33.
Variant type: single nucleotide variant.
Coding change: c.3664-15T>A on transcript NM_018979.4 (MANE Select); 15 bases into the intron before coding-DNA position 3664, T replaced by A.
Molecular consequence: intron variant.
Genome position (GRCh38, 1-based): chr12:883,759, T>A. VCF-style: chr12-883759-T-A. GRCh37 (hg19) VCF-style: chr12-992925-T-A.
Other names: c.4420-15T>A (NM_213655.5); c.4444-15T>A (NM_001184985.2); c.2923-15T>A (NM_014823.3).
Identifiers: ClinVar variation 310822 (VCV000310822.17), dbSNP rs201726656, ClinGen allele CA6382822.

ClinVar aggregate classification (germline): Benign/Likely benign. Review status: criteria provided, multiple submitters, no conflicts (2 of 4 stars). 6 submissions from 6 submitters: Benign (1); Likely benign (5). Last evaluated 2026-01-18.

Conditions:
Neuropathy, hereditary sensory and autonomic, type 2A (HSAN2A). Also called: MORVAN DISEASE; NEUROPATHY, CONGENITAL SENSORY; NEUROPATHY, HEREDITARY SENSORY RADICULAR, AUTOSOMAL RECESSIVE; NEUROPATHY, HEREDITARY SENSORY, TYPE IIA; NEUROPATHY, PROGRESSIVE SENSORY, OF CHILDREN; ACROOSTEOLYSIS, GIACCAI TYPE. Identifiers: Orphanet 970, MedGen C2752089, MONDO:0024309, OMIM 201300.
Pseudohypoaldosteronism type 2C (PHA2C). Also called: Pseudohypoaldosteronism Type IIC. Identifiers: Orphanet 757, Orphanet 88940, MedGen C1840391, MONDO:0013778, OMIM 614492.

Allele frequency attached by ClinVar (database versions not stated): 1000 Genomes Project 0.00020; 1000 Genomes Project 30x 0.00031; gnomAD 0.00061 and 0.00062; ESP Exome Variant Server 0.00062; gnomAD exomes 0.00062 and 0.00069; TOPMed 0.00063; ExAC 0.00067.
gnomAD v4.1: 1,082 of 1,614,054 alleles (0.067%); highest among the groups gnomAD compares: Middle Eastern, 0.49%; 4 homozygotes.

Submissions (7):

Labcorp Genetics (formerly Invitae), Labcorp
Classification: Likely benign for Neuropathy, hereditary sensory and autonomic, type 2A; Pseudohypoaldosteronism type 2C. Last evaluated: 2026-01-18. Review status: criteria provided, single submitter. Criteria: Invitae Variant Classification Sherloc (09022015). Collection method: clinical testing. Allele origin: germline.

Women's Health and Genetics/Laboratory Corporation of America, LabCorp
Classification: Likely benign. Last evaluated: 2025-12-09. Review status: criteria provided, single submitter. Criteria: LabCorp Variant Classification Summary - May 2015. Collection method: clinical testing. Allele origin: germline.
Comment: Variant summary: WNK1 c.3664-15T>A alters a non-conserved nucleotide located at a position not widely known to affect splicing. Several computational tools predict a significant impact on normal splicing: Three predict the variant weakens a canonical 3' acceptor site. One predict the variant no significant impact on splicing. However, these predictions have yet to be confirmed by functional studies. The variant allele was found at a frequency of 0.00062 in 251378 control chromosomes (gnomAD v2). This frequency is not significantly higher than estimated for disease-causing variants in WNK1, allowing no conclusion about variant significance. Howver a total of 4 homozygotes of this variant was observed in the gnomAD v4 database. To our knowledge, no occurrence of c.3664-15T>A in individuals affected with WNK1-related conditions and no experimental evidence demonstrating its impact on protein function have been reported. ClinVar contains an entry for this variant (Variation ID: 310822). Based on the evidence outlined above, the variant was classified as likely benign.

ARUP Laboratories, Molecular Genetics and Genomics, ARUP Laboratories
Classification: Likely benign. Last evaluated: 2025-03-14. Review status: criteria provided, single submitter. Criteria: ARUP Molecular Germline Variant Investigation Process 2024. Collection method: clinical testing. Allele origin: germline.

Blueprint Genetics
Classification: Likely benign. Last evaluated: 2024-11-18. Review status: criteria provided, single submitter. Criteria: ACMG Guidelines, 2015. Collection method: clinical testing. Allele origin: germline.

Illumina Laboratory Services, Illumina
Classification: Benign for Pseudohypoaldosteronism type 2C. Last evaluated: 2018-01-12. Review status: criteria provided, single submitter. Criteria: ICSL Variant Classification Criteria 13 December 2019. Collection method: clinical testing. Allele origin: germline.
Comment: This variant was observed in the ICSL laboratory as part of a predisposition screen in an ostensibly healthy population. It had not been previously curated by ICSL or reported in the Human Gene Mutation Database (HGMD: prior to June 1st, 2018), and was therefore a candidate for classification through an automated scoring system. Utilizing variant allele frequency, disease prevalence and penetrance estimates, and inheritance mode, an automated score was calculated to assess if this variant is too frequent to cause the disease. Based on the score and internal cut-off values, a variant classified as benign is not then subjected to further curation. The score for this variant resulted in a classification of benign for this disease.

Breakthrough Genomics
Classification: Likely benign. Review status: criteria provided, single submitter. Criteria: ACMG Guidelines, 2015. Collection method: not provided. Allele origin: germline. Inheritance: Autosomal recessive inheritance. Affected: yes.

Dr. Peter K. Rogan Lab, Western University
No classification provided (evidence only). Condition: Clear cell carcinoma of kidney. Review status: no classification provided. Collection method: in vitro. Allele origin: not applicable. Functional consequence: retained intron. Not counted in ClinVar's aggregate classification.